The following is an entry in ClinVar:

ClinVar aggregate classification (germline): Uncertain significance (1 of 4 stars; one submission).

Submission:

Labcorp Genetics (formerly Invitae), Labcorp
Classification: Uncertain significance. Last evaluated: 2024-11-14. Review status: criteria provided, single submitter. Criteria: Invitae Variant Classification Sherloc (09022015). Collection method: clinical testing. Allele origin: germline.
Comment: This sequence change replaces glutamic acid, which is acidic and polar, with lysine, which is basic and polar, at codon 180 of the AEBP1 protein (p.Glu180Lys). This variant is not present in population databases (gnomAD no frequency). This variant has not been reported in the literature in individuals affected with AEBP1-related conditions. An algorithm developed to predict the effect of missense changes on protein structure and function outputs the following: PolyPhen-2: "Not Available". The lysine amino acid residue is found in multiple mammalian species, which suggests that this missense change does not adversely affect protein function. In summary, the available evidence is currently insufficient to determine the role of this variant in disease. Therefore, it has been classified as a Variant of Uncertain Significance.

NM_001129.5(AEBP1):c.538G>A (p.Glu180Lys)

Gene: AEBP1 (AE binding protein 1; plus strand). Cytogenetic location: 7p13.
Variant type: single nucleotide variant.
Coding change: c.538G>A on transcript NM_001129.5 (MANE Select); coding-DNA position 538, G replaced by A.
Protein change: p.Glu180Lys; replaces glutamic acid 180 with lysine.
Molecular consequence: missense variant.
Genome position (GRCh38, 1-based): chr7:44,106,830, G>A. VCF-style: chr7-44106830-G-A. GRCh37 (hg19) VCF-style: chr7-44146429-G-A.
Other names: short protein forms E180K.
Identifiers: ClinVar variation 3663405 (VCV003663405.2).